The following is an entry in ClinVar:

ClinVar aggregate classification (germline): Likely benign (1 of 4 stars; one submission).

Submission:

CeGaT Center for Human Genetics Tuebingen
Classification: Likely benign. Last evaluated: 2025-03-01. Review status: criteria provided, single submitter. Criteria: CeGaT Center For Human Genetics Tuebingen Variant Classification Criteria Version 2. Collection method: clinical testing. Allele origin: germline. Affected: yes. Observed: 1 variant allele.
Comment: PLIN4: BP4, BP7

NM_001367868.2(PLIN4):c.1584A>G (p.Leu528=)

Gene: PLIN4 (perilipin 4; minus strand). Cytogenetic location: 19p13.3.
Variant type: single nucleotide variant.
Coding change: c.1584A>G on transcript NM_001367868.2 (MANE Select); coding-DNA position 1584, A replaced by G.
Protein change: p.Leu528=; no amino-acid change (leucine 528 retained).
Molecular consequence: synonymous variant.
Genome position (GRCh38, 1-based): chr19:4,512,376, T>C on the plus strand (A>G on the coding strand, the complement: PLIN4 is on the minus strand). VCF-style: chr19-4512376-T-C. GRCh37 (hg19) VCF-style: chr19-4512388-T-C.
Other names: c.1587A>G, p.Leu529= (NM_001393888.1, NM_001393889.1); c.1584A>G, p.Leu528= (NM_001393890.1, NM_001393891.1).
Identifiers: ClinVar variation 3778149 (VCV003778149.7).